The following is an entry in ClinVar:

NM_004409.5(DMPK):c.*224CTG[107]

Genes: DM1-AS (DM1 locus antisense RNA; plus strand), DMPK (DM1 protein kinase; minus strand), LOC107075317 (origin of replication in DMPK trinucleotide repeat region; plus strand), LOC109461477 (dystrophia myotonica protein kinase repeat instability region; plus strand). Cytogenetic location: 19q13.32.
Variant type: Microsatellite.
Coding change: c.*224CTG[107] on transcript NM_004409.5 (MANE Select); 107 copies in a row of the 3-base unit CTG starting at c.*224.
Molecular consequence: 3 prime UTR variant.
Genome position: GRCh38, VCF-style position (the base before the change): chr19:45,770,204. GRCh37 (hg19), VCF-style position (the base before the change): chr19:46,273,462.
Other names: DM1 CTG repeat expansion; c.*369CTG[107] (NM_001424164.1, NM_001424168.1, NM_001288766.2); c.*224CTG[107] (NM_001424165.1, NM_001424169.1, NM_001081560.3 and 1 more transcripts); c.*217CTG[107] (NM_001424166.1, NM_001424162.1, NM_001424163.1 and 2 more transcripts); c.*222_*224TGC[107] (NM_001081563.3).
Identifiers: ClinVar variation 187909 (VCV000187909.2), ClinGen allele CA915951704.

ClinVar aggregate classification (germline): Pathogenic (0 of 4 stars; one submission).

Conditions:
Steinert myotonic dystrophy syndrome (DM1). Also called: STEINERT DISEASE; Myotonic dystrophy type 1; Dystrophia myotonica type 1; Steinert myotonic dystrophy; Steinert's disease. Identifiers: Orphanet 273, MedGen C3250443, MONDO:0008056, OMIM 160900.

Submission:

Institute of Molecular, Cell and Systems Biology, University of Glasgow
Classification: Pathogenic for Steinert myotonic dystrophy syndrome. Review status: no assertion criteria provided. Criteria: research. Collection method: research. Allele origin: germline. Inheritance: Autosomal dominant inheritance. Affected: yes. Observed: 1 heterozygote.
Comment: DMPK CTG repeat expansions greater than approximately 45-50 repeats are assumed to be pathogenic

This record is based on data published in PubMed 25052313, which reports only ClinVar accessions SCV000120188 and SCV000120189. The complete data set includes SCV000207445 - SCV000207579.

Literature cited by the submitters: PubMed 1346923; PubMed 1546326; PubMed 25052313.